The following is an entry in ClinVar:

NM_001447.3(FAT2):c.12464C>G (p.Ser4155Cys)

Genes: FAT2 (FAT atypical cadherin 2; minus strand), SLC36A1 (solute carrier family 36 member 1; plus strand). Cytogenetic location: 5q33.1.
Variant type: single nucleotide variant.
Coding change: c.12464C>G on transcript NM_001447.3 (MANE Select); coding-DNA position 12464, C replaced by G.
Protein change: p.Ser4155Cys; replaces serine 4155 with cysteine.
Molecular consequence: missense variant.
Genome position (GRCh38, 1-based): chr5:151,507,207, G>C on the plus strand (C>G on the coding strand, the complement: FAT2 is on the minus strand). VCF-style: chr5-151507207-G-C. GRCh37 (hg19) VCF-style: chr5-150886768-G-C.
Other names: short protein forms S4155C.
Identifiers: ClinVar variation 717680 (VCV000717680.57), dbSNP rs145466001, ClinGen allele CA3519777.
Genomic context (GRCh38, chr5:151,507,207, plus strand): 5'-TACTGACCCATCTCCTCGCTGGACCAGGTTCTCTTAATGACAGGCTCATTGTCAGAGTGG[G>C]AAGGGACCGCAGCTGGCGGGAGTCTGGGGGGCACACTGCAGACCACTGGCCGTTGCTTAG-3'
Protein context (NP_001438.1, residues 4145-4165): PPRLPPAAVP[Ser4155Cys]HSDNEPVIKR

ClinVar aggregate classification (germline): Benign/Likely benign. Review status: criteria provided, multiple submitters, no conflicts (2 of 4 stars). 6 submissions from 6 submitters: Benign (1); Likely benign (3). 2 of the submissions do not count toward it. Last evaluated 2025-10-02.

Conditions:
Spinocerebellar ataxia 45. Identifiers: Orphanet 589527, MedGen C4540400, MONDO:0033480, OMIM 617769.
FAT2-related disorder. Also called: FAT2-related condition.

Allele frequency attached by ClinVar (database versions not stated): ESP Exome Variant Server 0.00031; gnomAD 0.00031 and 0.00035; TOPMed 0.00045; gnomAD exomes 0.00046 and 0.00092; ExAC 0.00097.
gnomAD v4.1: 744 of 1,611,424 alleles (0.046%); highest among the groups gnomAD compares: Middle Eastern, 0.38%; 3 homozygotes.

Submissions (6):

Labcorp Genetics (formerly Invitae), Labcorp
Classification: Likely benign. Last evaluated: 2025-10-02. Review status: criteria provided, single submitter. Criteria: Invitae Variant Classification Sherloc (09022015). Collection method: clinical testing. Allele origin: germline.

Laboratory of Genetics, Children's Clinical University Hospital Latvia
Classification: Likely benign. Last evaluated: 2025-02-16. Review status: criteria provided, single submitter. Criteria: ACMG Guidelines, 2015. Collection method: clinical testing. Allele origin: germline. Affected: yes.

CeGaT Center for Human Genetics Tuebingen
Classification: Benign. Last evaluated: 2023-08-01. Review status: criteria provided, single submitter. Criteria: CeGaT Center For Human Genetics Tuebingen Variant Classification Criteria Version 2. Collection method: clinical testing. Allele origin: germline. Affected: yes. Observed: 1 variant allele.
Comment: FAT2: BP4, BS1, BS2

Breakthrough Genomics
Classification: Likely benign. Review status: criteria provided, single submitter. Criteria: ACMG Guidelines, 2015. Collection method: not provided. Allele origin: germline. Inheritance: Autosomal dominant inheritance. Affected: yes.

PreventionGenetics, part of Exact Sciences
Classification: Likely benign for FAT2-related condition. Last evaluated: 2022-05-17. Review status: no assertion criteria provided. Collection method: clinical testing. Allele origin: germline. Not counted in ClinVar's aggregate classification.
Comment: This variant is classified as likely benign based on ACMG/AMP sequence variant interpretation guidelines (Richards et al. 2015 PMID: 25741868, with internal and published modifications).

O&I group, Department of Genetics, University Medical Center of Groningen
Classification: Uncertain significance for Spinocerebellar ataxia 45. Last evaluated: 2021-07-22. Review status: no assertion criteria provided. Collection method: research. Allele origin: unknown. Not counted in ClinVar's aggregate classification.

Literature cited by the submitters: DOI 10.3389/fgene.2022.782685 (cited by O&I group, Department of Genetics, University Medical Center of Groningen).